The following is an entry in ClinVar:

NM_001042492.3(NF1):c.4502_4503delinsTT (p.Asp1501Val)

Gene: NF1 (neurofibromin 1; plus strand). Cytogenetic location: 17q11.2.
Variant type: Indel.
Coding change: c.4502_4503delinsTT on transcript NM_001042492.3 (MANE Select); coding-DNA positions 4502 to 4503, AC replaced by TT.
Protein change: p.Asp1501Val; replaces aspartic acid 1501 with valine.
Molecular consequence: missense variant.
Genome position (GRCh38, 1-based): chr17:31,260,440-31,260,441, AC replaced by TT. VCF-style: chr17-31260440-AC-TT. GRCh37 (hg19) VCF-style: chr17-29587458-AC-TT.
Other names: c.4439_4440delACinsTT, p.Asp1480Val (NM_000267.4); short protein forms D1480V, D1501V.
Identifiers: ClinVar variation 2711168 (VCV002711168.3), dbSNP rs2508421350, ClinGen allele CA2697559746.

ClinVar aggregate classification (germline): Uncertain significance (1 of 4 stars; one submission).

Conditions:
Neurofibromatosis, type 1 (NF1). Also called: Peripheral type neurofibromatosis; VON RECKLINGHAUSEN DISEASE; NEUROFIBROMATOSIS, TYPE I, SOMATIC; Neurofibromatosis, type I. Identifiers: Orphanet 636, MedGen C0027831, MONDO:0018975, OMIM 162200. Disease mechanism: loss of function.

Submission:

Labcorp Genetics (formerly Invitae), Labcorp
Classification: Uncertain significance for Neurofibromatosis, type 1. Last evaluated: 2023-06-15. Review status: criteria provided, single submitter. Criteria: Invitae Variant Classification Sherloc (09022015). Collection method: clinical testing. Allele origin: germline.
Comment: Information on the frequency of this variant in the gnomAD database is not available, as this variant may be reported differently in the database. This sequence change replaces aspartic acid, which is acidic and polar, with valine, which is neutral and non-polar, at codon 1480 of the NF1 protein (p.Asp1480Val). This variant has not been reported in the literature in individuals affected with NF1-related conditions. In summary, the available evidence is currently insufficient to determine the role of this variant in disease. Therefore, it has been classified as a Variant of Uncertain Significance. An algorithm developed to predict the effect of missense changes on protein structure and function (PolyPhen-2) suggests that this variant is likely to be disruptive.